The following is an entry in ClinVar:

NM_024642.5(GALNT12):c.174C>T (p.Pro58=)

Gene: GALNT12 (polypeptide N-acetylgalactosaminyltransferase 12; plus strand). Cytogenetic location: 9q22.33.
Variant type: single nucleotide variant.
Coding change: c.174C>T on transcript NM_024642.5 (MANE Select); coding-DNA position 174, C replaced by T.
Protein change: p.Pro58=; no amino-acid change (proline 58 retained).
Molecular consequence: synonymous variant.
Genome position (GRCh38, 1-based): chr9:98,807,872, C>T. VCF-style: chr9-98807872-C-T. GRCh37 (hg19) VCF-style: chr9-101570154-C-T.
Identifiers: ClinVar variation 1779365 (VCV001779365.3), dbSNP rs1835411819, ClinGen allele CA466647417.
Genomic context (GRCh38, chr9:98,807,872, plus strand): 5'-GGCGCAGCGTGGGGCCGGGGCCGGGGCTGCCGAGCCGGGACCCCCGCGCACCCCGCGCCC[C>T]GGGCGGCGCGAGCCGGTCATGCCGCGGCCGCCGGTGCCGGCGAACGCGCTGGGCGCGCGG-3'
Protein context (NP_078918.3, residues 48-68): AEPGPPRTPR[Pro58=]GRREPVMPRP

ClinVar aggregate classification (germline): Benign/Likely benign. Review status: criteria provided, multiple submitters, no conflicts (2 of 4 stars). 2 submissions from 2 submitters: Benign (1); Likely benign (1). Last evaluated 2026-04-22.

Conditions:
Colorectal cancer, susceptibility to, 1. Also called: COLORECTAL ADENOMA AND CANCER, SUSCEPTIBILITY TO; COLORECTAL CANCER, SUSCEPTIBILITY TO, ON CHROMOSOME 9. Identifiers: MedGen C1837315, MONDO:0012132, OMIM 608812.

Allele frequency attached by ClinVar (database versions not stated): gnomAD exomes 0.00001; gnomAD 0.00001; TOPMed below 0.00001.
gnomAD v4.1: 8 of 1,026,974 alleles (0.00078%); highest among the groups gnomAD compares: Non-Finnish European, 0.00081%; no homozygotes.

Submissions (2):

Myriad Genetics, Inc.
Classification: Benign for Colorectal cancer, susceptibility to, 1. Last evaluated: 2026-04-22. Review status: criteria provided, single submitter. Criteria: Myriad Autosomal Dominant, Autosomal Recessive and X-Linked Classification Criteria (2023). Collection method: clinical testing. Allele origin: unknown.
Comment: This variant is considered benign. This variant is a silent/synonymous amino acid change and it is not expected to impact splicing.

Ambry Genetics
Classification: Likely benign. Last evaluated: 2022-07-10. Review status: criteria provided, single submitter. Criteria: Ambry Variant Classification Scheme 2023. Collection method: clinical testing. Allele origin: germline.